The following is an entry in ClinVar:

NM_000059.4(BRCA2):c.503C>G (p.Pro168Arg)

Gene: BRCA2 (BRCA2 DNA repair associated; plus strand). Cytogenetic location: 13q13.1.
Variant type: single nucleotide variant.
Coding change: c.503C>G on transcript NM_000059.4 (MANE Select); coding-DNA position 503, C replaced by G.
Protein change: p.Pro168Arg; replaces proline 168 with arginine.
Molecular consequence: missense variant.
Genome position (GRCh38, 1-based): chr13:32,326,269, C>G. VCF-style: chr13-32326269-C-G. GRCh37 (hg19) VCF-style: chr13-32900406-C-G.
Other names: c.503C>G (NM_000059.3); short protein forms P168R.
Identifiers: ClinVar variation 1419118 (VCV001419118.7), dbSNP rs2137450523, ClinGen allele CA387757705.

ClinVar aggregate classification (germline): Uncertain significance. Review status: criteria provided, multiple submitters, no conflicts (2 of 4 stars). 2 submissions from 2 submitters: Uncertain significance (2). Last evaluated 2025-08-29.

Conditions:
Hereditary cancer-predisposing syndrome. Also called: Neoplastic Syndromes, Hereditary; Hereditary Cancer Syndrome; Hereditary neoplastic syndrome; Tumor predisposition. Identifiers: Orphanet 140162, MedGen C0027672, MeSH D009386, MONDO:0015356.
Hereditary breast ovarian cancer syndrome. Also called: Hereditary breast and/or ovarian cancer syndrome; BRCA1- and BRCA2-Associated Hereditary Breast and Ovarian Cancer; Hereditary breast and ovarian cancer syndrome; Hereditary breast and ovarian cancer; Hereditary breast and ovarian cancer syndrome (HBOC); Breast and ovarian cancer. Identifiers: Orphanet 145, MedGen C0677776, MeSH D061325, MONDO:0003582. Disease mechanism: loss of function.

Submissions (2):

Ambry Genetics
Classification: Uncertain significance for Hereditary cancer-predisposing syndrome. Last evaluated: 2025-08-29. Review status: criteria provided, single submitter. Criteria: Ambry Variant Classification Scheme 2023. Collection method: clinical testing. Allele origin: germline.
Comment: The p.P168R variant (also known as c.503C>G), located in coding exon 5 of the BRCA2 gene, results from a C to G substitution at nucleotide position 503. The proline at codon 168 is replaced by arginine, an amino acid with dissimilar properties. This amino acid position is conserved. In addition, the in silico prediction for this alteration is inconclusive. Based on the available evidence, the clinical significance of this variant remains unclear.

Labcorp Genetics (formerly Invitae), Labcorp
Classification: Uncertain significance for Hereditary breast ovarian cancer syndrome. Last evaluated: 2021-10-05. Review status: criteria provided, single submitter. Criteria: Invitae Variant Classification Sherloc (09022015). Collection method: clinical testing. Allele origin: germline.
Comment: In summary, the available evidence is currently insufficient to determine the role of this variant in disease. Therefore, it has been classified as a Variant of Uncertain Significance. Advanced modeling of protein sequence and biophysical properties (such as structural, functional, and spatial information, amino acid conservation, physicochemical variation, residue mobility, and thermodynamic stability) performed at Invitae indicates that this missense variant is not expected to disrupt BRCA2 protein function. This variant has not been reported in the literature in individuals affected with BRCA2-related conditions. This variant is not present in population databases (ExAC no frequency). This sequence change replaces proline with arginine at codon 168 of the BRCA2 protein (p.Pro168Arg). The proline residue is moderately conserved and there is a moderate physicochemical difference between proline and arginine.